The following is an entry in ClinVar:

ClinVar aggregate classification (germline): Benign (1 of 4 stars; one submission).

Allele frequency attached by ClinVar (database versions not stated): gnomAD 0.69431 and 0.69726; TOPMed 0.69453; 1000 Genomes Project 30x 0.70191; 1000 Genomes Project 0.70367.
gnomAD v4.1: 105,037 of 150,534 alleles (70%); highest among the groups gnomAD compares: Admixed American, 78%; 37,002 homozygotes.

Submission:

GeneDx
Classification: Benign. Last evaluated: 2018-06-14. Review status: criteria provided, single submitter. Criteria: GeneDx Variant Classification (06012015). Collection method: clinical testing. Allele origin: germline. Affected: yes.
Comment: This variant is considered likely benign or benign based on one or more of the following criteria: it is a conservative change, it occurs at a poorly conserved position in the protein, it is predicted to be benign by multiple in silico algorithms, and/or has population frequency not consistent with disease.

NM_018109.4(MTPAP):c.1220-271C>T

Gene: MTPAP (mitochondrial poly(A) polymerase; minus strand). Cytogenetic location: 10p11.23.
Variant type: single nucleotide variant.
Coding change: c.1220-271C>T on transcript NM_018109.4 (MANE Select); 271 bases into the intron before coding-DNA position 1220, C replaced by T.
Molecular consequence: intron variant.
Genome position (GRCh38, 1-based): chr10:30,316,481, G>A on the plus strand (C>T on the coding strand, the complement: MTPAP is on the minus strand). VCF-style: chr10-30316481-G-A. GRCh37 (hg19) VCF-style: chr10-30605410-G-A.
Identifiers: ClinVar variation 671782 (VCV000671782.1), dbSNP rs2990499, ClinGen allele CA13262899.
Genomic context (GRCh38, chr10:30,316,481, plus strand): 5'-TTAATAGGGATGGGGTTTTACCATGTTGGCCAGGCTGGTCTCGAACTCCTGACCTCAGGT[G>A]ATCCACCCACCTCATCCTCCCAAAGTGAGGGGATTACAGGCGTGAGCCACCGCACCCAGC-3'